The following is an entry in ClinVar:

ClinVar aggregate classification (germline): Uncertain significance (1 of 4 stars; one submission).

Conditions:
Congenital muscular hypertrophy-cerebral syndrome (CDLS2). Also called: Cornelia de Lange syndrome 2; SMC1A-Related Cornelia de Lange Syndrome. Identifiers: Orphanet 199, MedGen C1802395, MONDO:0010370, OMIM 300590.

Submission:

Labcorp Genetics (formerly Invitae), Labcorp
Classification: Uncertain significance for Congenital muscular hypertrophy-cerebral syndrome. Last evaluated: 2025-09-02. Review status: criteria provided, single submitter. Criteria: Invitae Variant Classification Sherloc (09022015). Collection method: clinical testing. Allele origin: germline.
Comment: This sequence change replaces aspartic acid, which is acidic and polar, with glycine, which is neutral and non-polar, at codon 471 of the SMC1A protein (p.Asp471Gly). This variant is not present in population databases (gnomAD no frequency). This variant has not been reported in the literature in individuals affected with SMC1A-related conditions. ClinVar contains an entry for this variant (Variation ID: 1476168). Invitae Evidence Modeling of protein sequence and biophysical properties (such as structural, functional, and spatial information, amino acid conservation, physicochemical variation, residue mobility, and thermodynamic stability) indicates that this missense variant is not expected to disrupt SMC1A protein function with a negative predictive value of 80%. In summary, the available evidence is currently insufficient to determine the role of this variant in disease. Therefore, it has been classified as a Variant of Uncertain Significance.

NM_006306.4(SMC1A):c.1412A>G (p.Asp471Gly)

Gene: SMC1A (structural maintenance of chromosomes 1A; minus strand). Cytogenetic location: Xp11.22.
Variant type: single nucleotide variant.
Coding change: c.1412A>G on transcript NM_006306.4 (MANE Select); coding-DNA position 1412, A replaced by G.
Protein change: p.Asp471Gly; replaces aspartic acid 471 with glycine.
Molecular consequence: missense variant.
Genome position (GRCh38, 1-based): chrX:53,409,195, T>C on the plus strand (A>G on the coding strand, the complement: SMC1A is on the minus strand). VCF-style: chrX-53409195-T-C. GRCh37 (hg19) VCF-style: chrX-53436126-T-C.
Other names: c.1346A>G, p.Asp449Gly (NM_001281463.1); short protein forms D471G, D449G.
Identifiers: ClinVar variation 1476168 (VCV001476168.8), dbSNP rs2146602338, ClinGen allele CA413255642.